The following is an entry in ClinVar:

NM_001042492.3(NF1):c.8479G>T (p.Ala2827Ser)

Gene: NF1 (neurofibromin 1; plus strand). Cytogenetic location: 17q11.2.
Variant type: single nucleotide variant.
Coding change: c.8479G>T on transcript NM_001042492.3 (MANE Select); coding-DNA position 8479, G replaced by T.
Protein change: p.Ala2827Ser; replaces alanine 2827 with serine.
Molecular consequence: missense variant.
Genome position (GRCh38, 1-based): chr17:31,374,114, G>T. VCF-style: chr17-31374114-G-T. GRCh37 (hg19) VCF-style: chr17-29701132-G-T.
Other names: c.8416G>T, p.Ala2806Ser (NM_000267.4); short protein forms A2806S, A2827S.
Identifiers: ClinVar variation 141006 (VCV000141006.18), dbSNP rs199878086, ClinGen allele CA164192.

ClinVar aggregate classification (germline): Conflicting classifications of pathogenicity. Review status: criteria provided, conflicting classifications (1 of 4 stars). 7 submissions from 6 submitters: Uncertain significance (5); Likely benign (1). 1 of the submissions does not count toward it. Last evaluated 2026-02-04.

Conditions:
NF1-related disorder. Also called: NF1-related condition. Identifiers: MedGen CN379171.
Hereditary cancer-predisposing syndrome. Also called: Neoplastic Syndromes, Hereditary; Hereditary Cancer Syndrome; Hereditary neoplastic syndrome; Tumor predisposition. Identifiers: Orphanet 140162, MedGen C0027672, MeSH D009386, MONDO:0015356.
Cardiovascular phenotype. Identifiers: MedGen CN230736.
Neurofibromatosis, type 1 (NF1). Also called: VON RECKLINGHAUSEN DISEASE; Neurofibromatosis, type I; NEUROFIBROMATOSIS, TYPE I, SOMATIC; Peripheral type neurofibromatosis. Identifiers: Orphanet 636, MedGen C0027831, MONDO:0018975, OMIM 162200. Disease mechanism: loss of function.

Allele frequency attached by ClinVar (database versions not stated): gnomAD 0.00003; ESP Exome Variant Server 0.00008; 1000 Genomes Project 30x 0.00016; 1000 Genomes Project 0.00020.
gnomAD v4.1: 25 of 1,614,072 alleles (0.0015%); highest among the groups gnomAD compares: Non-Finnish European, 0.002%; no homozygotes.

Submissions (7):

Labcorp Genetics (formerly Invitae), Labcorp
Classification: Likely benign for Neurofibromatosis, type 1. Last evaluated: 2026-02-04. Review status: criteria provided, single submitter. Criteria: Invitae Variant Classification Sherloc (09022015). Collection method: clinical testing. Allele origin: germline.

Quest Diagnostics Nichols Institute San Juan Capistrano
Classification: Uncertain significance. Last evaluated: 2025-08-19. Review status: criteria provided, single submitter. Criteria: Quest Diagnostics criteria. Collection method: clinical testing. Allele origin: unknown.

GeneDx
Classification: Uncertain significance. Last evaluated: 2022-08-03. Review status: criteria provided, single submitter. Criteria: GeneDx Variant Classification Process June 2021. Collection method: clinical testing. Allele origin: germline. Affected: yes.
Comment: In silico analysis supports that this variant does not alter protein structure/function; Has not been previously published as pathogenic or benign to our knowledge

Genome-Nilou Lab
Classification: Uncertain significance for Neurofibromatosis, type 1. Last evaluated: 2022-03-15. Review status: criteria provided, single submitter. Criteria: ACMG Guidelines, 2015. Collection method: clinical testing. Allele origin: germline. Affected: no.

Ambry Genetics
Classification: Uncertain significance for Cardiovascular phenotype; Hereditary cancer-predisposing syndrome. Last evaluated: 2021-05-05. Review status: criteria provided, single submitter. Criteria: Ambry Variant Classification Scheme 2023. Collection method: clinical testing. Allele origin: germline.

Ambry Genetics
Classification: Uncertain significance for Hereditary cancer-predisposing syndrome. Last evaluated: 2016-02-25. Review status: criteria provided, single submitter. Criteria: Ambry Autosomal Dominant and X-Linked criteria (10/2015). Collection method: clinical testing. Allele origin: germline. Observed: 1 variant allele.
Comment: The p.A2827S variant (also known as c.8479G>T), located in coding exon 58 of the NF1 gene, results from a G to T substitution at nucleotide position 8479. The alanine at codon 2827 is replaced by serine, an amino acid with similar properties. This variant was previously reported in the SNPDatabase as rs199878086. Based on data from the 1000 Genomes Project, the T allele has an overall frequency of approximately 0.05% (1/2098) total alleles studied. The highest observed frequency was 0.94% (1/106) African-American SW alleles. Based on data from the NHLBI Exome Sequencing Project (ESP), the T allele has an overall frequency of approximately 0.01% (1/13006) total alleles studied, having been observed in 0%African American allelesand 0.01% (1/8600) European American alleles. To date, this alteration has been detected with an allele frequency of approximately 0.009% (greater than 110000 alleles tested) in our clinical cohort. This amino acid position is not well conserved in available vertebrate species. In addition, this alteration is predicted to be tolerated by in silico analysis. Since supporting evidence is limited at this time, the clinical significance of p.A2827S remains unclear.Ã¢â‚¬â€¹

PreventionGenetics, part of Exact Sciences
Classification: Uncertain significance for NF1-related condition. Last evaluated: 2024-05-01. Review status: no assertion criteria provided. Collection method: clinical testing. Allele origin: germline. Not counted in ClinVar's aggregate classification.
Comment: The NF1 c.8479G>T variant is predicted to result in the amino acid substitution p.Ala2827Ser. To our knowledge, this variant has not been reported in the literature. This variant is reported in 0.0040% of alleles in individuals of African descent in gnomAD and is interpreted as uncertain and likely benign in ClinVar. At this time, the clinical significance of this variant is uncertain due to the absence of conclusive functional and genetic evidence.